The following is an entry in ClinVar:

ClinVar aggregate classification (germline): Conflicting classifications of pathogenicity. Review status: criteria provided, conflicting classifications (1 of 4 stars). 3 submissions from 3 submitters: Uncertain significance (2); Likely benign (1). Last evaluated 2025-11-23.

Conditions:
Inborn genetic diseases. Identifiers: MedGen C0950123, MeSH D030342.

Allele frequency attached by ClinVar (database versions not stated): gnomAD exomes below 0.00001; gnomAD 0.00001; TOPMed 0.00003.
gnomAD v4.1: 5 of 1,614,016 alleles (0.00031%); highest among the groups gnomAD compares: African/African-American, 0.004%; no homozygotes.

Submissions (3):

Labcorp Genetics (formerly Invitae), Labcorp
Classification: Likely benign. Last evaluated: 2025-11-23. Review status: criteria provided, single submitter. Criteria: Invitae Variant Classification Sherloc (09022015). Collection method: clinical testing. Allele origin: germline.

Ambry Genetics
Classification: Uncertain significance for Inborn genetic diseases. Last evaluated: 2025-08-24. Review status: criteria provided, single submitter. Criteria: Ambry Variant Classification Scheme 2023. Collection method: clinical testing. Allele origin: germline.

GeneDx
Classification: Uncertain significance. Last evaluated: 2025-05-27. Review status: criteria provided, single submitter. Criteria: GeneDx Variant Classification Process June 2021. Collection method: clinical testing. Allele origin: germline. Affected: yes.
Comment: Not observed at significant frequency in large population cohorts (gnomAD); In silico analysis suggests that this missense variant does not alter protein structure/function; Has not been previously published as pathogenic or benign to our knowledge

NM_080680.3(COL11A2):c.696G>C (p.Gln232His)

Gene: COL11A2 (collagen type XI alpha 2 chain; minus strand). Cytogenetic location: 6p21.32.
Variant type: single nucleotide variant.
Coding change: c.696G>C on transcript NM_080680.3 (MANE Select); coding-DNA position 696, G replaced by C.
Protein change: p.Gln232His; replaces glutamine 232 with histidine.
Molecular consequence: missense variant.
Genome position (GRCh38, 1-based): chr6:33,186,729, C>G on the plus strand (G>C on the coding strand, the complement: COL11A2 is on the minus strand). VCF-style: chr6-33186729-C-G. GRCh37 (hg19) VCF-style: chr6-33154506-C-G.
Other names: c.696G>C, p.Gln232His (NM_001163771.2, NM_080679.3, NM_080681.3); c.696G>C (NM_080680.2); short protein forms Q232H.
Identifiers: ClinVar variation 1416753 (VCV001416753.8), dbSNP rs1213135480, ClinGen allele CA363610327.